The following is an entry in ClinVar:

ClinVar aggregate classification (germline): Conflicting classifications of pathogenicity. Review status: criteria provided, conflicting classifications (1 of 4 stars). 4 submissions from 3 submitters: Uncertain significance (1); Benign (1); Likely benign (2). Last evaluated 2025-07-14.

Conditions:
Autosomal recessive ataxia, Beauce type. Also called: SYNE1 Deficiency; ATAXIA, RECESSIVE, OF BEAUCE; SYNE1-Related Autosomal Recessive Cerebellar Ataxia; Spinocerebellar ataxia, autosomal recessive 8. Identifiers: Orphanet 88644, MedGen C1853116, MONDO:0012549, OMIM 610743.
Emery-Dreifuss muscular dystrophy 4, autosomal dominant (EDMD4). Also called: EMERY-DREIFUSS MUSCULAR DYSTROPHY 4 WITH VARIABLE FEATURES. Identifiers: Orphanet 261, MedGen C2751807, MONDO:0013071, OMIM 612998.

Allele frequency attached by ClinVar (database versions not stated): gnomAD 0.00001 and 0.00006; TOPMed 0.00002; gnomAD exomes 0.00008 and 0.00016; ExAC 0.00017; 1000 Genomes Project 0.00020; 1000 Genomes Project 30x 0.00031.
gnomAD v4.1: 127 of 1,614,168 alleles (0.0079%); highest among the groups gnomAD compares: South Asian, 0.1%; 3 homozygotes.

Submissions (4):

Labcorp Genetics (formerly Invitae), Labcorp
Classification: Likely benign for Emery-Dreifuss muscular dystrophy 4, autosomal dominant; Autosomal recessive ataxia, Beauce type. Last evaluated: 2025-07-14. Review status: criteria provided, single submitter. Criteria: Invitae Variant Classification Sherloc (09022015). Collection method: clinical testing. Allele origin: germline.

CeGaT Center for Human Genetics Tuebingen
Classification: Likely benign. Last evaluated: 2022-04-01. Review status: criteria provided, single submitter. Criteria: CeGaT Center For Human Genetics Tuebingen Variant Classification Criteria Version 2. Collection method: clinical testing. Allele origin: germline. Affected: yes. Observed: 1 variant allele.
Comment: SYNE1: BP4, BP7

Illumina Laboratory Services, Illumina
Classification: Benign for Emery-Dreifuss muscular dystrophy 4, autosomal dominant. Last evaluated: 2018-01-12. Review status: criteria provided, single submitter. Criteria: ICSL Variant Classification Criteria 13 December 2019. Collection method: clinical testing. Allele origin: germline.
Comment: This variant was observed in the ICSL laboratory as part of a predisposition screen in an ostensibly healthy population. It had not been previously curated by ICSL or reported in the Human Gene Mutation Database (HGMD: prior to June 1st, 2018), and was therefore a candidate for classification through an automated scoring system. Utilizing variant allele frequency, disease prevalence and penetrance estimates, and inheritance mode, an automated score was calculated to assess if this variant is too frequent to cause the disease. Based on the score and internal cut-off values, a variant classified as benign is not then subjected to further curation. The score for this variant resulted in a classification of benign for this disease.

Illumina Laboratory Services, Illumina
Classification: Uncertain significance for Autosomal recessive ataxia, Beauce type. Last evaluated: 2018-01-12. Review status: criteria provided, single submitter. Criteria: ICSL Variant Classification Criteria 13 December 2019. Collection method: clinical testing. Allele origin: germline.

NM_182961.4(SYNE1):c.25056C>T (p.Thr8352=)

Gene: SYNE1 (spectrin repeat containing nuclear envelope protein 1; minus strand). Cytogenetic location: 6q25.2.
Variant type: single nucleotide variant.
Coding change: c.25056C>T on transcript NM_182961.4 (MANE Select); coding-DNA position 25056, C replaced by T.
Protein change: p.Thr8352=; no amino-acid change (threonine 8352 retained).
Molecular consequence: synonymous variant.
Genome position (GRCh38, 1-based): chr6:152,143,686, G>A on the plus strand (C>T on the coding strand, the complement: SYNE1 is on the minus strand). VCF-style: chr6-152143686-G-A. GRCh37 (hg19) VCF-style: chr6-152464821-G-A.
Other names: c.1662C>T, p.Thr554= (NM_001347701.2); c.1590C>T, p.Thr530= (NM_001347702.2); c.24912C>T, p.Thr8304= (NM_033071.5).
Identifiers: ClinVar variation 355811 (VCV000355811.37), dbSNP rs200678102, ClinGen allele CA4052966.